The following is an entry in ClinVar:

ClinVar aggregate classification (germline): Uncertain significance. Review status: criteria provided, multiple submitters, no conflicts (2 of 4 stars). 2 submissions from 2 submitters: Uncertain significance (2). Last evaluated 2022-06-02.

Conditions:
Hereditary cancer-predisposing syndrome. Also called: Neoplastic Syndromes, Hereditary; Hereditary Cancer Syndrome; Tumor predisposition; Hereditary neoplastic syndrome. Identifiers: Orphanet 140162, MedGen C0027672, MeSH D009386, MONDO:0015356.

Submissions (2):

Ambry Genetics
Classification: Uncertain significance for Hereditary cancer-predisposing syndrome. Last evaluated: 2022-06-02. Review status: criteria provided, single submitter. Criteria: Ambry Variant Classification Scheme 2023. Collection method: clinical testing. Allele origin: germline.
Comment: The p.V246G variant (also known as c.737T>G), located in coding exon 8 of the POLE gene, results from a T to G substitution at nucleotide position 737. The valine at codon 246 is replaced by glycine, an amino acid with dissimilar properties. This amino acid position is conserved. In addition, the in silico prediction for this alteration is inconclusive. Since supporting evidence is limited at this time, the clinical significance of this alteration remains unclear.

Labcorp Genetics (formerly Invitae), Labcorp
Classification: Uncertain significance. Last evaluated: 2021-01-20. Review status: criteria provided, single submitter. Criteria: Invitae Variant Classification Sherloc (09022015). Collection method: clinical testing. Allele origin: germline.
Comment: This sequence change replaces valine with glycine at codon 246 of the POLE protein (p.Val246Gly). The valine residue is moderately conserved and there is a moderate physicochemical difference between valine and glycine. This variant is not present in population databases (ExAC no frequency). This variant has not been reported in the literature in individuals with POLE-related conditions. Algorithms developed to predict the effect of missense changes on protein structure and function (SIFT, PolyPhen-2, Align-GVGD) all suggest that this variant is likely to be disruptive, but these predictions have not been confirmed by published functional studies and their clinical significance is uncertain. In summary, the available evidence is currently insufficient to determine the role of this variant in disease. Therefore, it has been classified as a Variant of Uncertain Significance.

NM_006231.4(POLE):c.737T>G (p.Val246Gly)

Gene: POLE (DNA polymerase epsilon, catalytic subunit; minus strand). Cytogenetic location: 12q24.33.
Variant type: single nucleotide variant.
Coding change: c.737T>G on transcript NM_006231.4 (MANE Select); coding-DNA position 737, T replaced by G.
Protein change: p.Val246Gly; replaces valine 246 with glycine.
Molecular consequence: missense variant.
Genome position (GRCh38, 1-based): chr12:132,677,427, A>C on the plus strand (T>G on the coding strand, the complement: POLE is on the minus strand). VCF-style: chr12-132677427-A-C. GRCh37 (hg19) VCF-style: chr12-133254013-A-C.
Other names: short protein forms V246G.
Identifiers: ClinVar variation 1473976 (VCV001473976.10), dbSNP rs2136018798, ClinGen allele CA387364528.
Genomic context (GRCh38, chr12:132,677,427, plus strand): 5'-CGTTCAACAAGGTCATCTCGGCGGGTGATTTCTACCGGAAAAGCATTTCCTCGGTATCTG[A>C]CATTGTACCAATGAGCCTGCAAAACACACAGTGTGCTAACTAGAGTTCTACATCCAGGAA-3'
Protein context (NP_006222.2, residues 236-256): LKIHVAHWYN[Val246Gly]RYRGNAFPVE